The following is an entry in ClinVar:

ClinVar aggregate classification (germline): Uncertain significance (1 of 4 stars; one submission).

gnomAD v4.1: 1 of 1,614,176 alleles (0.000062%); no homozygotes.

Submission:

Labcorp Genetics (formerly Invitae), Labcorp
Classification: Uncertain significance. Last evaluated: 2025-06-06. Review status: criteria provided, single submitter. Criteria: Invitae Variant Classification Sherloc (09022015). Collection method: clinical testing. Allele origin: germline.
Comment: This sequence change replaces glutamic acid, which is acidic and polar, with alanine, which is neutral and non-polar, at codon 197 of the CFAP298 protein (p.Glu197Ala). This variant is not present in population databases (gnomAD no frequency). This variant has not been reported in the literature in individuals affected with CFAP298-related conditions. An algorithm developed to predict the effect of missense changes on protein structure and function (PolyPhen-2) suggests that this variant is likely to be disruptive. In summary, the available evidence is currently insufficient to determine the role of this variant in disease. Therefore, it has been classified as a Variant of Uncertain Significance.

NM_021254.4(CFAP298):c.590A>C (p.Glu197Ala)

Genes: CFAP298 (cilia and flagella associated protein 298; minus strand), CFAP298-TCP10L (CFAP298-TCP10L readthrough; minus strand). Cytogenetic location: 21q22.11.
Variant type: single nucleotide variant.
Coding change: c.590A>C on transcript NM_021254.4 (MANE Select); coding-DNA position 590, A replaced by C.
Protein change: p.Glu197Ala; replaces glutamic acid 197 with alanine.
Molecular consequence: missense variant. On other transcripts: non-coding transcript variant (2).
Genome position (GRCh38, 1-based): chr21:32,603,237, T>G on the plus strand (A>C on the coding strand, the complement: CFAP298 is on the minus strand). VCF-style: chr21-32603237-T-G. GRCh37 (hg19) VCF-style: chr21-33975547-T-G.
Other names: c.590A>C, p.Glu197Ala (NM_001350338.2, NM_001350335.2, NM_001350336.2 and 1 more transcripts); c.293A>C, p.Glu98Ala (NM_001350334.2); short protein forms E98A, E197A.
Identifiers: ClinVar variation 4766986 (VCV004766986.1).
Genomic context (GRCh38, chr21:32,603,237, plus strand): 5'-ATAATTTTGGTTTTTTCATTCTTCCCCACGTAGTCTGAAAGCTTCTTCGTTCTTCTCAGC[T>G]CCTTGGCTGCCCACCACAGCTGCGCCTCTGCCTCTTTAATGACGTTGAGCCCTGCCTGGG-3'
Protein context (NP_067077.1, residues 187-207): AEAQLWWAAK[Glu197Ala]LRRTKKLSDY